The following is an entry in ClinVar:

ClinVar aggregate classification (germline): Uncertain significance (1 of 4 stars; one submission).

Conditions:
Duchenne muscular dystrophy (DMD). Also called: MUSCULAR DYSTROPHY, PSEUDOHYPERTROPHIC PROGRESSIVE, DUCHENNE TYPE; Duchenne Muscular Dystrophy (DMD). Identifiers: Orphanet 98896, MedGen C0013264, MONDO:0010679, OMIM 310200.

gnomAD v4.1: 16 of 1,211,119 alleles (0.0013%); highest among the groups gnomAD compares: South Asian, 0.0018%; no homozygotes.

Submission:

Labcorp Genetics (formerly Invitae), Labcorp
Classification: Uncertain significance for Duchenne muscular dystrophy. Last evaluated: 2024-05-27. Review status: criteria provided, single submitter. Criteria: Invitae Variant Classification Sherloc (09022015). Collection method: clinical testing. Allele origin: germline.
Comment: This sequence change replaces proline, which is neutral and non-polar, with serine, which is neutral and polar, at codon 2276 of the DMD protein (p.Pro2276Ser). This variant is present in population databases (rs767347635, gnomAD 0.001%). This variant has not been reported in the literature in individuals affected with DMD-related conditions. Advanced modeling of protein sequence and biophysical properties (such as structural, functional, and spatial information, amino acid conservation, physicochemical variation, residue mobility, and thermodynamic stability) performed at Invitae indicates that this missense variant is not expected to disrupt DMD protein function with a negative predictive value of 95%. In summary, the available evidence is currently insufficient to determine the role of this variant in disease. Therefore, it has been classified as a Variant of Uncertain Significance.

NM_004006.3(DMD):c.6826C>T (p.Pro2276Ser)

Gene: DMD (dystrophin; minus strand). Cytogenetic location: Xp21.1.
Variant type: single nucleotide variant.
Coding change: c.6826C>T on transcript NM_004006.3 (MANE Select); coding-DNA position 6826, C replaced by T.
Protein change: p.Pro2276Ser; replaces proline 2276 with serine.
Molecular consequence: missense variant. On other transcripts: 5 prime UTR variant (5).
Genome position (GRCh38, 1-based): chrX:31,929,682, G>A on the plus strand (C>T on the coding strand, the complement: DMD is on the minus strand). VCF-style: chrX-31929682-G-A. GRCh37 (hg19) VCF-style: chrX-31947799-G-A.
Other names: c.6802C>T, p.Pro2268Ser (NM_000109.4); c.6814C>T, p.Pro2272Ser (NM_004009.3); c.6457C>T, p.Pro2153Ser (NM_004010.3); c.2803C>T, p.Pro935Ser (NM_004011.4); c.2794C>T, p.Pro932Ser (NM_004012.4); c.-555C>T (NM_004013.3, NM_004020.4, NM_004021.3 and 2 more transcripts); short protein forms P2153S, P2268S, P932S, P2272S, P935S, P2276S.
Identifiers: ClinVar variation 3705175 (VCV003705175.2).